The following is an entry in ClinVar:

NM_006231.4(POLE):c.1260C>T (p.Gly420=)

Gene: POLE (DNA polymerase epsilon, catalytic subunit; minus strand). Cytogenetic location: 12q24.33.
Variant type: single nucleotide variant.
Coding change: c.1260C>T on transcript NM_006231.4 (MANE Select); coding-DNA position 1260, C replaced by T.
Protein change: p.Gly420=; no amino-acid change (glycine 420 retained).
Molecular consequence: synonymous variant.
Genome position (GRCh38, 1-based): chr12:132,673,674, G>A on the plus strand (C>T on the coding strand, the complement: POLE is on the minus strand). VCF-style: chr12-132673674-G-A. GRCh37 (hg19) VCF-style: chr12-133250260-G-A.
Identifiers: ClinVar variation 390707 (VCV000390707.17), dbSNP rs1057523868, ClinGen allele CA16607164.

ClinVar aggregate classification (germline): Benign/Likely benign. Review status: criteria provided, multiple submitters, no conflicts (2 of 4 stars). 4 submissions from 4 submitters: Benign (1); Likely benign (3). Last evaluated 2025-12-11.

Conditions:
Hereditary cancer-predisposing syndrome. Also called: Hereditary Cancer Syndrome; Hereditary neoplastic syndrome; Neoplastic Syndromes, Hereditary; Tumor predisposition. Identifiers: Orphanet 140162, MedGen C0027672, MeSH D009386, MONDO:0015356.
Colorectal cancer, susceptibility to, 12 (CRCS12). Also called: COLORECTAL CANCER, SUSCEPTIBILITY TO, ON CHROMOSOME 12q24. Identifiers: Orphanet 220460, MedGen C3554460, MONDO:0014038, OMIM 615083.

Allele frequency attached by ClinVar (database versions not stated): TOPMed below 0.00001; gnomAD 0.00001; gnomAD exomes 0.00001.
gnomAD v4.1: 10 of 1,613,824 alleles (0.00062%); highest among the groups gnomAD compares: Non-Finnish European, 0.00076%; no homozygotes.

Submissions (4):

Labcorp Genetics (formerly Invitae), Labcorp
Classification: Likely benign. Last evaluated: 2025-12-11. Review status: criteria provided, single submitter. Criteria: Invitae Variant Classification Sherloc (09022015). Collection method: clinical testing. Allele origin: germline.

Myriad Genetics, Inc.
Classification: Benign for Colorectal cancer, susceptibility to, 12. Last evaluated: 2025-02-10. Review status: criteria provided, single submitter. Criteria: Myriad Autosomal Dominant, Autosomal Recessive and X-Linked Classification Criteria (2023). Collection method: clinical testing. Allele origin: unknown.
Comment: This variant is considered benign. This variant is a silent/synonymous amino acid change and it is not expected to impact splicing.

GeneDx
Classification: Likely benign. Last evaluated: 2016-11-01. Review status: criteria provided, single submitter. Criteria: GeneDx Variant Classification (06012015). Collection method: clinical testing. Allele origin: germline. Affected: yes.
Comment: This variant is considered likely benign or benign based on one or more of the following criteria: it is a conservative change, it occurs at a poorly conserved position in the protein, it is predicted to be benign by multiple in silico algorithms, and/or has population frequency not consistent with disease.

Ambry Genetics
Classification: Likely benign for Hereditary cancer-predisposing syndrome. Last evaluated: 2015-11-20. Review status: criteria provided, single submitter. Criteria: Ambry Variant Classification Scheme 2023. Collection method: clinical testing. Allele origin: germline.